The following is an entry in ClinVar:

NM_052947.4(ALPK2):c.665A>G (p.His222Arg)

Gene: ALPK2 (alpha kinase 2; minus strand). Cytogenetic location: 18q21.31.
Variant type: single nucleotide variant.
Coding change: c.665A>G on transcript NM_052947.4 (MANE Select); coding-DNA position 665, A replaced by G.
Protein change: p.His222Arg; replaces histidine 222 with arginine.
Molecular consequence: missense variant.
Genome position (GRCh38, 1-based): chr18:58,580,111, T>C on the plus strand (A>G on the coding strand, the complement: ALPK2 is on the minus strand). VCF-style: chr18-58580111-T-C. GRCh37 (hg19) VCF-style: chr18-56247343-T-C.
Other names: short protein forms H222R.
Identifiers: ClinVar variation 1754721 (VCV001754721.2), dbSNP rs2051949387, ClinGen allele CA402567485.

ClinVar aggregate classification (germline): Uncertain significance (1 of 4 stars; one submission).

Allele frequency attached by ClinVar (database versions not stated): gnomAD exomes below 0.00001; TOPMed below 0.00001.
gnomAD v4.1: 1 of 1,614,270 alleles (0.000062%); highest among the groups gnomAD compares: South Asian, 0.0011%; no homozygotes.

Submission:

Ambry Genetics
Classification: Uncertain significance. Last evaluated: 2021-10-17. Review status: criteria provided, single submitter. Criteria: Ambry Variant Classification Scheme 2023. Collection method: clinical testing. Allele origin: germline.
Comment: The p.H222R variant (also known as c.665A>G), located in coding exon 3 of the ALPK2 gene, results from an A to G substitution at nucleotide position 665. The histidine at codon 222 is replaced by arginine, an amino acid with highly similar properties. This amino acid position is conserved. In addition, this alteration is predicted to be tolerated by in silico analysis. Since supporting evidence is limited at this time, the clinical significance of this alteration remains unclear.